The following is an entry in ClinVar:

NM_018946.4(NANS):c.905C>T (p.Pro302Leu)

Genes: NANS (N-acetylneuraminate synthase; plus strand), TRIM14 (tripartite motif containing 14; minus strand). Cytogenetic location: 9q22.33.
Variant type: single nucleotide variant.
Coding change: c.905C>T on transcript NM_018946.4 (MANE Select); coding-DNA position 905, C replaced by T.
Protein change: p.Pro302Leu; replaces proline 302 with leucine.
Molecular consequence: missense variant.
Genome position (GRCh38, 1-based): chr9:98,082,880, C>T. VCF-style: chr9-98082880-C-T. GRCh37 (hg19) VCF-style: chr9-100845162-C-T.
Other names: short protein forms P302L.
Identifiers: ClinVar variation 2196517 (VCV002196517.1), dbSNP rs754105305, ClinGen allele CA5150438.

ClinVar aggregate classification (germline): Uncertain significance (1 of 4 stars; one submission).

Allele frequency attached by ClinVar (database versions not stated): gnomAD 0.00003; gnomAD exomes 0.00007; TOPMed 0.00008; ExAC 0.00010.
gnomAD v4.1: 105 of 1,613,878 alleles (0.0065%); highest among the groups gnomAD compares: Middle Eastern, 0.049%; no homozygotes.

Submission:

Labcorp Genetics (formerly Invitae), Labcorp
Classification: Uncertain significance. Last evaluated: 2022-08-22. Review status: criteria provided, single submitter. Criteria: Invitae Variant Classification Sherloc (09022015). Collection method: clinical testing. Allele origin: germline.
Comment: This sequence change replaces proline, which is neutral and non-polar, with leucine, which is neutral and non-polar, at codon 302 of the NANS protein (p.Pro302Leu). This variant is present in population databases (rs754105305, gnomAD 0.04%). This variant has not been reported in the literature in individuals affected with NANS-related conditions. Algorithms developed to predict the effect of missense changes on protein structure and function are either unavailable or do not agree on the potential impact of this missense change (SIFT: "Deleterious"; PolyPhen-2: "Benign"; Align-GVGD: "Class C15"). In summary, the available evidence is currently insufficient to determine the role of this variant in disease. Therefore, it has been classified as a Variant of Uncertain Significance.